The following is an entry in ClinVar:

ClinVar aggregate classification (germline): Likely benign. Review status: criteria provided, multiple submitters, no conflicts (2 of 4 stars). 3 submissions from 3 submitters: Likely benign (2). 1 of the submissions does not count toward it. Last evaluated 2024-10-17.

Conditions:
NOTCH3-related disorder. Also called: NOTCH3-related condition; NOTCH3-related disorders.

Allele frequency attached by ClinVar (database versions not stated): ExAC 0.00005; TOPMed 0.00014; gnomAD 0.00021.
gnomAD v4.1: 82 of 1,613,166 alleles (0.0051%); highest among the groups gnomAD compares: Admixed American, 0.072%; 2 homozygotes.

Submissions (3):

Labcorp Genetics (formerly Invitae), Labcorp
Classification: Likely benign. Last evaluated: 2024-10-17. Review status: criteria provided, single submitter. Criteria: Invitae Variant Classification Sherloc (09022015). Collection method: clinical testing. Allele origin: germline.

CeGaT Center for Human Genetics Tuebingen
Classification: Likely benign. Last evaluated: 2022-08-01. Review status: criteria provided, single submitter. Criteria: CeGaT Center For Human Genetics Tuebingen Variant Classification Criteria Version 2. Collection method: clinical testing. Allele origin: germline. Affected: yes. Observed: 1 variant allele.
Comment: NOTCH3: BP4, BP7

PreventionGenetics, part of Exact Sciences
Classification: Likely benign for NOTCH3-related condition. Last evaluated: 2019-09-05. Review status: no assertion criteria provided. Collection method: clinical testing. Allele origin: germline. Not counted in ClinVar's aggregate classification.
Comment: This variant is classified as likely benign based on ACMG/AMP sequence variant interpretation guidelines (Richards et al. 2015 PMID: 25741868, with internal and published modifications).

NM_000435.3(NOTCH3):c.1965C>T (p.Asn655=)

Gene: NOTCH3 (notch receptor 3; minus strand). Cytogenetic location: 19p13.12.
Variant type: single nucleotide variant.
Coding change: c.1965C>T on transcript NM_000435.3 (MANE Select); coding-DNA position 1965, C replaced by T.
Protein change: p.Asn655=; no amino-acid change (asparagine 655 retained).
Molecular consequence: synonymous variant.
Genome position (GRCh38, 1-based): chr19:15,185,666, G>A on the plus strand (C>T on the coding strand, the complement: NOTCH3 is on the minus strand). VCF-style: chr19-15185666-G-A. GRCh37 (hg19) VCF-style: chr19-15296477-G-A.
Other names: c.1965C>T (NM_000435.2).
Identifiers: ClinVar variation 2649441 (VCV002649441.27), dbSNP rs770647535, ClinGen allele CA9263475.